The following is an entry in ClinVar:

ClinVar aggregate classification (germline): Uncertain significance (1 of 4 stars; one submission).

Conditions:
Familial cold autoinflammatory syndrome 3 (FCAS3). Also called: FAMILIAL ATYPICAL COLD URTICARIA; ANTIBODY DEFICIENCY AND IMMUNE DYSREGULATION, PLCG2-ASSOCIATED. Identifiers: Orphanet 300359, MedGen C3280914, MONDO:0013766, OMIM 614468.

Submission:

Labcorp Genetics (formerly Invitae), Labcorp
Classification: Uncertain significance for Familial cold autoinflammatory syndrome 3. Last evaluated: 2024-09-19. Review status: criteria provided, single submitter. Criteria: Invitae Variant Classification Sherloc (09022015). Collection method: clinical testing. Allele origin: germline.
Comment: This sequence change replaces valine, which is neutral and non-polar, with methionine, which is neutral and non-polar, at codon 760 of the PLCG2 protein (p.Val760Met). This variant is not present in population databases (gnomAD no frequency). This variant has not been reported in the literature in individuals affected with PLCG2-related conditions. An algorithm developed to predict the effect of missense changes on protein structure and function (PolyPhen-2) suggests that this variant is likely to be disruptive. In summary, the available evidence is currently insufficient to determine the role of this variant in disease. Therefore, it has been classified as a Variant of Uncertain Significance.

NM_002661.5(PLCG2):c.2278G>A (p.Val760Met)

Gene: PLCG2 (phospholipase C gamma 2; plus strand). Cytogenetic location: 16q23.3.
Variant type: single nucleotide variant.
Coding change: c.2278G>A on transcript NM_002661.5 (MANE Select); coding-DNA position 2278, G replaced by A.
Protein change: p.Val760Met; replaces valine 760 with methionine.
Molecular consequence: missense variant.
Genome position (GRCh38, 1-based): chr16:81,921,240, G>A. VCF-style: chr16-81921240-G-A. GRCh37 (hg19) VCF-style: chr16-81954845-G-A.
Other names: c.2278G>A, p.Val760Met (NM_001425749.1, NM_001425750.1, NM_001425751.1); short protein forms V760M.
Identifiers: ClinVar variation 3720066 (VCV003720066.2).